The following is an entry in ClinVar:

ClinVar aggregate classification (germline): Likely pathogenic (1 of 4 stars; one submission).

Conditions:
Polycystic kidney disease 4 (PKD4). Also called: POLYCYSTIC KIDNEY DISEASE 4 WITH OR WITHOUT POLYCYSTIC LIVER DISEASE; PKD3; Autosomal Recessive Polycystic Kidney Disease – PKHD1; POLYCYSTIC KIDNEY AND HEPATIC DISEASE 1; POLYCYSTIC KIDNEY DISEASE, INFANTILE, TYPE I. Identifiers: MedGen C4540575, MONDO:0033004, OMIM 263200.

Submission:

MVZ Medizinische Genetik Mainz
Classification: Likely pathogenic for Polycystic kidney disease 4. Last evaluated: 2025-03-12. Review status: criteria provided, single submitter. Criteria: UK Practice Guidelines For Variant Classification V4 01 2020. Collection method: clinical testing. Allele origin: germline. Inheritance: Autosomal recessive inheritance. Affected: yes. Observed: 1 variant allele.
Comment: ACMG Criteria: PVS1,PM2_SUP

NM_138694.4(PKHD1):c.10847del (p.Ala3616fs)

Gene: PKHD1 (PKHD1 ciliary IPT domain containing fibrocystin/polyductin; minus strand). Cytogenetic location: 6p12.3.
Variant type: Deletion.
Coding change: c.10847del on transcript NM_138694.4 (MANE Select); coding-DNA position 10847, one base deleted (C; older notation c.10847delC).
Protein change: p.Ala3616fs; shifts the reading frame from alanine 3616.
Molecular consequence: frameshift variant.
Genome position (GRCh38, 1-based): chr6:51,659,279, G deleted on the plus strand (C on the coding strand, the reverse complement: PKHD1 is on the minus strand). VCF-style (leftmost placement, unchanged base first): chr6-51659278-TG-T. GRCh37 (hg19) VCF-style: chr6-51524076-TG-T.
Other names: short protein forms A3616fs.
Identifiers: ClinVar variation 3774569 (VCV003774569.1).